The following is an entry in ClinVar:

NM_022051.3(EGLN1):c.332A>C (p.Lys111Thr)

Gene: EGLN1 (egl-9 family hypoxia inducible factor 1; minus strand). Cytogenetic location: 1q42.2.
Variant type: single nucleotide variant.
Coding change: c.332A>C on transcript NM_022051.3 (MANE Select); coding-DNA position 332, A replaced by C.
Protein change: p.Lys111Thr; replaces lysine 111 with threonine.
Molecular consequence: missense variant.
Genome position (GRCh38, 1-based): chr1:231,421,557, T>G on the plus strand (A>C on the coding strand, the complement: EGLN1 is on the minus strand). VCF-style: chr1-231421557-T-G. GRCh37 (hg19) VCF-style: chr1-231557303-T-G.
Other names: c.332A>C, p.Lys111Thr (NM_001377260.1, NM_001377261.1); short protein forms K111T.
Identifiers: ClinVar variation 2589161 (VCV002589161.2), dbSNP rs2527360684, ClinGen allele CA345237658.

ClinVar aggregate classification (germline): Uncertain significance (1 of 4 stars; one submission).

Submission:

Ambry Genetics
Classification: Uncertain significance. Last evaluated: 2023-06-21. Review status: criteria provided, single submitter. Criteria: Ambry Variant Classification Scheme 2023. Collection method: clinical testing. Allele origin: germline.
Comment: The p.K111T variant (also known as c.332A>C), located in coding exon 1 of the EGLN1 gene, results from an A to C substitution at nucleotide position 332. The lysine at codon 111 is replaced by threonine, an amino acid with similar properties. This amino acid position is conserved. In addition, this alteration is predicted to be tolerated by in silico analysis. Since supporting evidence is limited at this time, the clinical significance of this alteration remains unclear.